The following is an entry in ClinVar:

ClinVar aggregate classification (germline): Uncertain significance. Review status: criteria provided, multiple submitters, no conflicts (2 of 4 stars). 2 submissions from 2 submitters: Uncertain significance (2). Last evaluated 2025-03-04.

Submissions (2):

GeneDx
Classification: Uncertain significance. Last evaluated: 2025-03-04. Review status: criteria provided, single submitter. Criteria: GeneDx Variant Classification Process June 2021. Collection method: clinical testing. Allele origin: germline. Affected: yes.
Comment: Not observed at significant frequency in large population cohorts (gnomAD); In silico analysis indicates that this missense variant does not alter protein structure/function; Has not been previously published as pathogenic or benign to our knowledge

Labcorp Genetics (formerly Invitae), Labcorp
Classification: Uncertain significance. Last evaluated: 2025-01-12. Review status: criteria provided, single submitter. Criteria: Invitae Variant Classification Sherloc (09022015). Collection method: clinical testing. Allele origin: germline.
Comment: This sequence change replaces serine, which is neutral and polar, with threonine, which is neutral and polar, at codon 92 of the NUP107 protein (p.Ser92Thr). This variant is not present in population databases (gnomAD no frequency). This variant has not been reported in the literature in individuals affected with NUP107-related conditions. An algorithm developed to predict the effect of missense changes on protein structure and function (PolyPhen-2) suggests that this variant is likely to be tolerated. In summary, the available evidence is currently insufficient to determine the role of this variant in disease. Therefore, it has been classified as a Variant of Uncertain Significance.

NM_020401.4(NUP107):c.274T>A (p.Ser92Thr)

Gene: NUP107 (nucleoporin 107; plus strand). Cytogenetic location: 12q15.
Variant type: single nucleotide variant.
Coding change: c.274T>A on transcript NM_020401.4 (MANE Select); coding-DNA position 274, T replaced by A.
Protein change: p.Ser92Thr; replaces serine 92 with threonine.
Molecular consequence: missense variant.
Genome position (GRCh38, 1-based): chr12:68,690,717, T>A. VCF-style: chr12-68690717-T-A. GRCh37 (hg19) VCF-style: chr12-69084497-T-A.
Other names: c.274T>A (NM_020401.2); c.187T>A, p.Ser63Thr (NM_001330192.2); short protein forms S63T, S92T.
Identifiers: ClinVar variation 3626058 (VCV003626058.3).